The following is an entry in ClinVar:

ClinVar aggregate classification (germline): Likely pathogenic (1 of 4 stars; one submission).

Conditions:
Marfan syndrome (MFS). Also called: MARFAN SYNDROME, TYPE I; Marfan syndrome type 1; Marfan's syndrome; Marfan syndrome, classic; FBN1-Related Marfan Syndrome. Identifiers: Orphanet 284963, Orphanet 558, MedGen C0024796, MONDO:0007947, OMIM 154700.

Submission:

Genetics and Molecular Pathology, SA Pathology
Classification: Likely pathogenic for Marfan syndrome. Last evaluated: 2023-05-10. Review status: criteria provided, single submitter. Criteria: ACMG Guidelines, 2015. Collection method: clinical testing. Allele origin: germline. Inheritance: Autosomal dominant inheritance. Affected: yes.
Comment: The FBN1 c.1737del variant is classified as a LIKELY PATHOGENIC (PVS1, PM2) The variant is a single-base pair deletion in exon 15/66 of the FBN1 gene, which is predicted to result in a frameshift starting with codon Asparagine 580, changes this amino acid to a Threonine residue, and creates a premature STOP codon 45 amino acids downstream, denoted p.N580TfsX45. This variant is predicted to cause loss of normal protein function which is a known disease causing mehanism of Marfan syndrome in the FBN1 gene (PVS1). The variant is not in dbSNP and is absent from population databases (PM2). The variant has not been reported in ClinVar or HGMD.

NM_000138.5(FBN1):c.1737del (p.Asn580fs)

Gene: FBN1 (fibrillin 1; minus strand). Cytogenetic location: 15q21.1.
Variant type: Deletion.
Coding change: c.1737del on transcript NM_000138.5 (MANE Select); coding-DNA position 1737, one base deleted (G; older notation c.1737delG).
Protein change: p.Asn580fs; shifts the reading frame from asparagine 580.
Molecular consequence: frameshift variant.
Genome position (GRCh38, 1-based): chr15:48,508,682, C deleted on the plus strand (G on the coding strand, the reverse complement: FBN1 is on the minus strand); the first of 2 consecutive C bases (chr15:48,508,682-48,508,683); deleting either gives the same sequence. VCF-style (leftmost placement, unchanged base first): chr15-48508681-TC-T. GRCh37 (hg19) VCF-style: chr15-48800878-TC-T.
Other names: c.1737del, p.Asn580fs (NM_001406716.1); c.1737delG (NM_000138.5); short protein forms N580fs.
Identifiers: ClinVar variation 2664699 (VCV002664699.1), dbSNP rs2505602749, ClinGen allele CA2580060412.